The following is an entry in ClinVar:

ClinVar aggregate classification (germline): Conflicting classifications of pathogenicity. Review status: criteria provided, conflicting classifications (1 of 4 stars). 2 submissions from 2 submitters: Uncertain significance (1); Likely benign (1). Last evaluated 2025-10-01.

gnomAD v4.1: 74 of 1,613,694 alleles (0.0046%); highest among the groups gnomAD compares: African/African-American, 0.045%; no homozygotes.

Submissions (2):

CeGaT Center for Human Genetics Tuebingen
Classification: Uncertain significance. Last evaluated: 2025-10-01. Review status: criteria provided, single submitter. Criteria: CeGaT Center For Human Genetics Tuebingen Variant Classification Criteria Version 2. Collection method: clinical testing. Allele origin: germline. Affected: yes. Observed: 1 variant allele.
Comment: BNC2: PP3

Labcorp Genetics (formerly Invitae), Labcorp
Classification: Likely benign. Last evaluated: 2025-03-30. Review status: criteria provided, single submitter. Criteria: Invitae Variant Classification Sherloc (09022015). Collection method: clinical testing. Allele origin: germline.

NM_017637.6(BNC2):c.4-12A>G

Gene: BNC2 (basonuclin zinc finger protein 2; minus strand). Cytogenetic location: 9p22.2.
Variant type: single nucleotide variant.
Coding change: c.4-12A>G on transcript NM_017637.6 (MANE Select); 12 bases into the intron before coding-DNA position 4, A replaced by G.
Molecular consequence: intron variant.
Genome position (GRCh38, 1-based): chr9:16,738,497, T>C on the plus strand (A>G on the coding strand, the complement: BNC2 is on the minus strand). VCF-style: chr9-16738497-T-C. GRCh37 (hg19) VCF-style: chr9-16738495-T-C.
Other names: c.4-10500A>G (NM_001317939.2); c.45+93747A>G (NM_001317940.2).
Identifiers: ClinVar variation 4534164 (VCV004534164.7).